The following is an entry in ClinVar:

ClinVar aggregate classification (germline): Conflicting classifications of pathogenicity. Review status: criteria provided, conflicting classifications (1 of 4 stars). 3 submissions from 3 submitters: Likely pathogenic (1); Uncertain significance (2). Last evaluated 2025-10-01.

Conditions:
Familial juvenile hyperuricemic nephropathy type 1 (ADTKD1). Also called: UMOD-Associated Kidney Disease; Uromodulin-associated kidney disease; Autosomal Dominant Tubulointerstitial Kidney Disease – UMOD; Glomerulocystic kidney disease with hyperuricemia and isosthenuria; Medullary cystic kidney disease 2. Identifiers: Orphanet 209886, Orphanet 34149, Orphanet 88950, MedGen C4551496, MONDO:0008073, OMIM 162000.

gnomAD v4.1: 6 of 1,614,076 alleles (0.00037%); highest among the groups gnomAD compares: East Asian, 0.0067%; no homozygotes.

Submissions (3):

Nephrology, Zhejiang Provincial People's Hospital
Classification: Likely pathogenic for Familial juvenile hyperuricemic nephropathy type 1. Last evaluated: 2025-10-01. Review status: criteria provided, single submitter. Criteria: ACMG Guidelines, 2015. Collection method: clinical testing. Allele origin: germline. Inheritance: Autosomal dominant inheritance. Affected: yes.
Comment: The c.1499C>T (p.Ala500Val) variant is classified as Likely Pathogenic. It was not observed in population databases (gnomAD) (PM2). The variant segregated with disease in multiple affected family members (PP1). The alanine residue at position 500 is evolutionarily conserved, and in silico analysis predicts a damaging effect on the protein (PP3).

Labcorp Genetics (formerly Invitae), Labcorp
Classification: Uncertain significance. Last evaluated: 2024-12-18. Review status: criteria provided, single submitter. Criteria: Invitae Variant Classification Sherloc (09022015). Collection method: clinical testing. Allele origin: germline.
Comment: This sequence change replaces alanine, which is neutral and non-polar, with valine, which is neutral and non-polar, at codon 500 of the UMOD protein (p.Ala500Val). This variant is present in population databases (rs757726975, gnomAD 0.006%). This variant has not been reported in the literature in individuals affected with UMOD-related conditions. Invitae Evidence Modeling of protein sequence and biophysical properties (such as structural, functional, and spatial information, amino acid conservation, physicochemical variation, residue mobility, and thermodynamic stability) indicates that this missense variant is not expected to disrupt UMOD protein function with a negative predictive value of 80%. In summary, the available evidence is currently insufficient to determine the role of this variant in disease. Therefore, it has been classified as a Variant of Uncertain Significance.

Fulgent Genetics
Classification: Uncertain significance for Familial juvenile hyperuricemic nephropathy type 1. Last evaluated: 2024-02-07. Review status: criteria provided, single submitter. Criteria: ACMG Guidelines, 2015. Collection method: clinical testing. Allele origin: germline.

NM_003361.4(UMOD):c.1499C>T (p.Ala500Val)

Gene: UMOD (uromodulin; minus strand). Cytogenetic location: 16p12.3.
Variant type: single nucleotide variant.
Coding change: c.1499C>T on transcript NM_003361.4 (MANE Select); coding-DNA position 1499, C replaced by T.
Protein change: p.Ala500Val; replaces alanine 500 with valine.
Molecular consequence: missense variant. On other transcripts: non-coding transcript variant (1).
Genome position (GRCh38, 1-based): chr16:20,341,169, G>A on the plus strand (C>T on the coding strand, the complement: UMOD is on the minus strand). VCF-style: chr16-20341169-G-A. GRCh37 (hg19) VCF-style: chr16-20352491-G-A.
Other names: c.1499C>T, p.Ala500Val (NM_001008389.3, NM_001378232.1, NM_001378233.1); c.1598C>T, p.Ala533Val (NM_001278614.2); c.1640C>T, p.Ala547Val (NM_001378234.1, NM_001378235.1); short protein forms A500V, A533V, A547V.
Identifiers: ClinVar variation 3578710 (VCV003578710.4).